The following is an entry in ClinVar:

ClinVar aggregate classification (germline): Uncertain significance. Review status: criteria provided, multiple submitters, no conflicts (2 of 4 stars). 2 submissions from 2 submitters: Uncertain significance (2). Last evaluated 2024-10-15.

Conditions:
Spastic paraplegia. Identifiers: MedGen C0037772, HP:0001258.
Inborn genetic diseases. Identifiers: MedGen C0950123, MeSH D030342.

Allele frequency attached by ClinVar (database versions not stated): gnomAD exomes below 0.00001; gnomAD 0.00003; TOPMed 0.00003; ESP Exome Variant Server 0.00008.
gnomAD v4.1: 11 of 1,614,072 alleles (0.00068%); highest among the groups gnomAD compares: African/African-American, 0.0053%; no homozygotes.

Submissions (2):

Labcorp Genetics (formerly Invitae), Labcorp
Classification: Uncertain significance for Spastic paraplegia. Last evaluated: 2024-10-15. Review status: criteria provided, single submitter. Criteria: Invitae Variant Classification Sherloc (09022015). Collection method: clinical testing. Allele origin: germline.
Comment: This sequence change replaces arginine, which is basic and polar, with cysteine, which is neutral and slightly polar, at codon 1252 of the ZFYVE26 protein (p.Arg1252Cys). The frequency data for this variant in the population databases is considered unreliable, as metrics indicate poor data quality at this position in the gnomAD database. This variant has not been reported in the literature in individuals affected with ZFYVE26-related conditions. ClinVar contains an entry for this variant (Variation ID: 313906). An algorithm developed to predict the effect of missense changes on protein structure and function (PolyPhen-2) suggests that this variant is likely to be tolerated. In summary, the available evidence is currently insufficient to determine the role of this variant in disease. Therefore, it has been classified as a Variant of Uncertain Significance.

Ambry Genetics
Classification: Uncertain significance for Inborn genetic diseases. Last evaluated: 2024-08-28. Review status: criteria provided, single submitter. Criteria: Ambry Variant Classification Scheme 2023. Collection method: clinical testing. Allele origin: germline.

NM_015346.4(ZFYVE26):c.3754C>T (p.Arg1252Cys)

Gene: ZFYVE26 (zinc finger FYVE-type containing 26; minus strand). Cytogenetic location: 14q24.1.
Variant type: single nucleotide variant.
Coding change: c.3754C>T on transcript NM_015346.4 (MANE Select); coding-DNA position 3754, C replaced by T.
Protein change: p.Arg1252Cys; replaces arginine 1252 with cysteine.
Molecular consequence: missense variant.
Genome position (GRCh38, 1-based): chr14:67,783,398, G>A on the plus strand (C>T on the coding strand, the complement: ZFYVE26 is on the minus strand). VCF-style: chr14-67783398-G-A. GRCh37 (hg19) VCF-style: chr14-68250115-G-A.
Other names: short protein forms R1252C.
Identifiers: ClinVar variation 313906 (VCV000313906.9), dbSNP rs373621715, ClinGen allele CA10644614.